The following is an entry in ClinVar:

ClinVar aggregate classification (germline): Uncertain significance (1 of 4 stars; one submission).

Conditions:
Nijmegen breakage syndrome-like disorder (NBSLD). Also called: MICROCEPHALY AND SPONTANEOUS CHROMOSOME INSTABILITY WITHOUT IMMUNODEFICIENCY; NBS-LIKE DISORDER; RAD50 DEFICIENCY. Identifiers: Orphanet 240760, MedGen C2751318, MONDO:0013118, OMIM 613078.
Hereditary cancer-predisposing syndrome. Also called: Neoplastic Syndromes, Hereditary; Tumor predisposition; Hereditary Cancer Syndrome; Hereditary neoplastic syndrome. Identifiers: Orphanet 140162, MedGen C0027672, MeSH D009386, MONDO:0015356.

Submission:

Labcorp Genetics (formerly Invitae), Labcorp
Classification: Uncertain significance for Hereditary cancer-predisposing syndrome. Last evaluated: 2023-01-24. Review status: criteria provided, single submitter. Criteria: Invitae Variant Classification Sherloc (09022015). Collection method: clinical testing. Allele origin: germline.
Comment: This sequence change replaces lysine, which is basic and polar, with threonine, which is neutral and polar, at codon 105 of the RAD50 protein (p.Lys105Thr). This variant is not present in population databases (gnomAD no frequency). This variant has not been reported in the literature in individuals affected with RAD50-related conditions. Advanced modeling of protein sequence and biophysical properties (such as structural, functional, and spatial information, amino acid conservation, physicochemical variation, residue mobility, and thermodynamic stability) has been performed at Invitae for this missense variant, however the output from this modeling did not meet the statistical confidence thresholds required to predict the impact of this variant on RAD50 protein function. In summary, the available evidence is currently insufficient to determine the role of this variant in disease. Therefore, it has been classified as a Variant of Uncertain Significance.

NM_005732.4(RAD50):c.314A>C (p.Lys105Thr)

Gene: RAD50 (RAD50 double strand break repair protein; plus strand). Cytogenetic location: 5q31.1.
Variant type: single nucleotide variant.
Coding change: c.314A>C on transcript NM_005732.4 (MANE Select); coding-DNA position 314, A replaced by C.
Protein change: p.Lys105Thr; replaces lysine 105 with threonine.
Molecular consequence: missense variant.
Genome position (GRCh38, 1-based): chr5:132,575,877, A>C. VCF-style: chr5-132575877-A-C. GRCh37 (hg19) VCF-style: chr5-131911569-A-C.
Other names: c.314A>C (NM_005732.3); short protein forms K105T.
Identifiers: ClinVar variation 3016107 (VCV003016107.4), dbSNP rs2479608392, ClinGen allele CA360931096.
Genomic context (GRCh38, chr5:132,575,877, plus strand): 5'-AATTTCGTGATGTCAATGGAGAACTTATAGCTGTGCAAAGATCTATGGTGTGTACTCAGA[A>C]AAGCAAAAAGACAGAATTTAAAACTCTGGAAGGAGTCATTACTAGAACAAAGTAGGTGTT-3'
Protein context (NP_005723.2, residues 95-115): AVQRSMVCTQ[Lys105Thr]SKKTEFKTLE